The following is an entry in ClinVar:

ClinVar aggregate classification (germline): Likely benign (1 of 4 stars; one submission).

Submission:

CeGaT Center for Human Genetics Tuebingen
Classification: Likely benign. Last evaluated: 2024-09-01. Review status: criteria provided, single submitter. Criteria: CeGaT Center For Human Genetics Tuebingen Variant Classification Criteria Version 2. Collection method: clinical testing. Allele origin: germline. Affected: yes. Observed: 1 variant allele.
Comment: BRD2: BS2

NM_005104.4(BRD2):c.-1305+256del

Gene: BRD2 (bromodomain containing 2; plus strand). Cytogenetic location: 6p21.32.
Variant type: Deletion.
Coding change: c.-1305+256del on transcript NM_005104.4 (MANE Select); 256 bases into the intron after 1305 bases upstream of the start codon, one base deleted (T; older notation c.-1305+256delT).
Molecular consequence: intron variant.
Genome position (GRCh38, 1-based): chr6:32,969,312, T deleted. VCF-style (leftmost placement, unchanged base first): chr6-32969311-CT-C. GRCh37 (hg19) VCF-style: chr6-32937088-CT-C.
Identifiers: ClinVar variation 3388364 (VCV003388364.14).
Genomic context (GRCh38, chr6:32,969,311, plus strand): 5'-CAGCCTCATGCCTCCGTACCCATTGGAGGGCAAAGGGGTTAGGGGGCGGTGTGGCCCCCC[CT>C]ATTCCATTCGTCCCCTGGGGGTACAGCAGCCGGGAGCCAGGTGAGAAGGGATCCATCGGC-3'